The following is an entry in ClinVar:

NM_001013839.4(EXOC7):c.809-2A>G

Gene: EXOC7 (exocyst complex component 7; minus strand). Cytogenetic location: 17q25.1.
Variant type: single nucleotide variant.
Coding change: c.809-2A>G on transcript NM_001013839.4 (MANE Select); the canonical splice acceptor site of the intron before coding-DNA position 809, A replaced by G.
Molecular consequence: splice acceptor variant. On other transcripts: intron variant (3).
Genome position (GRCh38, 1-based): chr17:76,091,237, T>C on the plus strand (A>G on the coding strand, the complement: EXOC7 is on the minus strand). VCF-style: chr17-76091237-T-C. GRCh37 (hg19) VCF-style: chr17-74087318-T-C.
Other names: IVS6AS, A-G, -2; c.809-1917A>G (NM_015219.5, NM_001375975.1); c.809-840A>G (NM_001145298.4); c.809-2A>G (NM_001375974.1, NM_001145299.4, NM_001375976.1 and 1 more transcripts); c.686-2A>G (NM_001282313.2).
Identifiers: ClinVar variation 983545 (VCV000983545.2), dbSNP rs1310629937, ClinGen allele CA401126765.

ClinVar aggregate classification (germline): Pathogenic. Review status: criteria provided, single submitter (1 of 4 stars). 2 submissions from 2 submitters: Pathogenic (1). 1 of the submissions does not count toward it. Last evaluated 2024-10-04.

Conditions:
Neurodevelopmental disorder with seizures and brain atrophy. Identifiers: MedGen C5436732, MONDO:0033658, OMIM 619072.

Allele frequency attached by ClinVar (database versions not stated): gnomAD 0.00001.
gnomAD v4.1: 5 of 1,613,682 alleles (0.00031%); highest among the groups gnomAD compares: Non-Finnish European, 0.00042%; no homozygotes.

Submissions (2):

Dubai Health Genomic Medicine Center, Dubai Health
Classification: Pathogenic for Neurodevelopmental disorder with seizures and brain atrophy. Last evaluated: 2024-10-04. Review status: criteria provided, single submitter. Criteria: ACMG Guidelines, 2015. Collection method: research. Allele origin: germline. Affected: yes.
Comment: PVS1,PP1,PM2

OMIM
Classification: Pathogenic for NEURODEVELOPMENTAL DISORDER WITH SEIZURES AND BRAIN ATROPHY. Last evaluated: 2020-11-05. Review status: no assertion criteria provided. Collection method: literature only. Allele origin: germline. Not counted in ClinVar's aggregate classification.

Literature cited by the submitters: PubMed 32103185 (cited by OMIM).